The following is an entry in ClinVar:

NM_144573.4(NEXN):c.1414G>A (p.Ala472Thr)

Gene: NEXN (nexilin F-actin binding protein; plus strand). Cytogenetic location: 1p31.1.
Variant type: single nucleotide variant.
Coding change: c.1414G>A on transcript NM_144573.4 (MANE Select); coding-DNA position 1414, G replaced by A.
Protein change: p.Ala472Thr; replaces alanine 472 with threonine.
Molecular consequence: missense variant.
Genome position (GRCh38, 1-based): chr1:77,935,985, G>A. VCF-style: chr1-77935985-G-A. GRCh37 (hg19) VCF-style: chr1-78401670-G-A.
Other names: c.1222G>A, p.Ala408Thr (NM_001172309.2); short protein forms A472T, A408T.
Identifiers: ClinVar variation 3878956 (VCV003878956.1).

ClinVar aggregate classification (germline): Uncertain significance (1 of 4 stars; one submission).

Conditions:
Cardiovascular phenotype. Identifiers: MedGen CN230736.

Submission:

Ambry Genetics
Classification: Uncertain significance for Cardiovascular phenotype. Last evaluated: 2024-12-13. Review status: criteria provided, single submitter. Criteria: Ambry Variant Classification Scheme 2023. Collection method: clinical testing. Allele origin: germline.
Comment: The p.A472T variant (also known as c.1414G>A), located in coding exon 10 of the NEXN gene, results from a G to A substitution at nucleotide position 1414. The alanine at codon 472 is replaced by threonine, an amino acid with similar properties. This amino acid position is conserved. In addition, this alteration is predicted to be tolerated by in silico analysis. Based on the available evidence, the clinical significance of this variant remains unclear.